The following is an entry in ClinVar:

ClinVar aggregate classification (germline): Pathogenic (1 of 4 stars; one submission).

Conditions:
L1 syndrome. Identifiers: Orphanet 275543, MedGen C5779710, MONDO:0017140.

Submission:

Myriad Genetics, Inc.
Classification: Pathogenic for L1 syndrome. Last evaluated: 2024-07-29. Review status: criteria provided, single submitter. Criteria: Myriad Autosomal Dominant, Autosomal Recessive and X-Linked Classification Criteria (2023). Collection method: clinical testing. Allele origin: unknown.
Comment: NM_001278116.1(L1CAM):c.787G>T(E263*) is expected to be pathogenic in the context of L1 syndrome. This variant is predicted to lead to an abnormal or absent protein product due to the creation of a premature termination codon in L1CAM, a gene where loss-of-function variants are known to be pathogenic. Please note: this variant was assessed in the context of healthy population screening.

NM_001278116.2(L1CAM):c.787G>T (p.Glu263Ter)

Gene: L1CAM (L1 cell adhesion molecule; minus strand). Cytogenetic location: Xq28.
Variant type: single nucleotide variant.
Coding change: c.787G>T on transcript NM_001278116.2 (MANE Select); coding-DNA position 787, G replaced by T.
Protein change: p.Glu263Ter; replaces glutamic acid 263 with a stop codon.
Molecular consequence: nonsense.
Genome position (GRCh38, 1-based): chrX:153,870,407, C>A on the plus strand (G>T on the coding strand, the complement: L1CAM is on the minus strand). VCF-style: chrX-153870407-C-A. GRCh37 (hg19) VCF-style: chrX-153135862-C-A.
Other names: c.787G>T, p.Glu263Ter (NM_000425.5, NM_024003.3); c.772G>T, p.Glu258Ter (NM_001143963.2); short protein forms E258*, E263*.
Identifiers: ClinVar variation 5013385 (VCV005013385.1).